The following is an entry in ClinVar:

ClinVar aggregate classification (germline): Uncertain significance (1 of 4 stars; one submission).

Allele frequency attached by ClinVar (database versions not stated): TOPMed below 0.00001; gnomAD exomes 0.00001.
gnomAD v4.1: 10 of 1,613,958 alleles (0.00062%); highest among the groups gnomAD compares: Non-Finnish European, 0.00076%; no homozygotes.

Submission:

Labcorp Genetics (formerly Invitae), Labcorp
Classification: Uncertain significance. Last evaluated: 2022-04-21. Review status: criteria provided, single submitter. Criteria: Invitae Variant Classification Sherloc (09022015). Collection method: clinical testing. Allele origin: germline.
Comment: This sequence change replaces serine, which is neutral and polar, with proline, which is neutral and non-polar, at codon 521 of the PLCB4 protein (p.Ser521Pro). This variant is present in population databases (no rsID available, gnomAD 0.003%). This variant has not been reported in the literature in individuals affected with PLCB4-related conditions. Advanced modeling of protein sequence and biophysical properties (such as structural, functional, and spatial information, amino acid conservation, physicochemical variation, residue mobility, and thermodynamic stability) performed at Invitae indicates that this missense variant is not expected to disrupt PLCB4 protein function. In summary, the available evidence is currently insufficient to determine the role of this variant in disease. Therefore, it has been classified as a Variant of Uncertain Significance.

NM_001377142.1(PLCB4):c.1561T>C (p.Ser521Pro)

Gene: PLCB4 (phospholipase C beta 4; plus strand). Cytogenetic location: 20p12.2.
Variant type: single nucleotide variant.
Coding change: c.1561T>C on transcript NM_001377142.1 (MANE Select); coding-DNA position 1561, T replaced by C.
Protein change: p.Ser521Pro; replaces serine 521 with proline.
Molecular consequence: missense variant.
Genome position (GRCh38, 1-based): chr20:9,401,540, T>C. VCF-style: chr20-9401540-T-C. GRCh37 (hg19) VCF-style: chr20-9382187-T-C.
Other names: c.1561T>C, p.Ser521Pro (NM_000933.4, NM_001172646.2, NM_001377134.2 and 4 more transcripts); short protein forms S521P.
Identifiers: ClinVar variation 1909740 (VCV001909740.2), dbSNP rs1194355032, ClinGen allele CA408210569.
Genomic context (GRCh38, chr20:9,401,540, plus strand): 5'-TTTCACACAGCTGACCAAGAGGAGGAAGCTCACCCCGAATTCAAATTTGGAAATGAACTT[T>C]CTGCTGATGACTTGGGTCACAAGGAAGCTGTTGCAAATAGCGTCAAGAAGGTCAGAGTCC-3'
Protein context (NP_001364071.1, residues 511-531): HPEFKFGNEL[Ser521Pro]ADDLGHKEAV